The following is an entry in ClinVar:

NM_000548.5(TSC2):c.3397+7C>G

Gene: TSC2 (TSC complex subunit 2; plus strand). Cytogenetic location: 16p13.3.
Variant type: single nucleotide variant.
Coding change: c.3397+7C>G on transcript NM_000548.5 (MANE Select); 7 bases into the intron after coding-DNA position 3397, C replaced by G.
Molecular consequence: intron variant.
Genome position (GRCh38, 1-based): chr16:2,079,676, C>G. VCF-style: chr16-2079676-C-G. GRCh37 (hg19) VCF-style: chr16-2129677-C-G.
Other names: c.3268+7C>G (NM_021055.3, NM_001370405.1, NM_001363528.2); c.1924+7C>G (NM_001406694.1, NM_001406693.1, NM_001406690.1 and 1 more transcripts); c.3265+7C>G (NM_001077183.3, NM_001370404.1, NM_001406665.1); c.3286+7C>G (NM_001406670.1); c.3394+7C>G (NM_001406663.1, NM_001406664.1); c.3157+7C>G (NM_001318827.2); c.1921+7C>G (NM_001406695.1, NM_001406696.1, NM_001406691.1 and 1 more transcripts); c.3256+7C>G (NM_001406671.1); and 18 more.
Identifiers: ClinVar variation 4071146 (VCV004071146.1).

ClinVar aggregate classification (germline): Likely benign (1 of 4 stars; one submission).

Conditions:
Tuberous sclerosis 2 (TSC2). Identifiers: Orphanet 805, MedGen C1860707, MONDO:0013199, OMIM 613254.

Submission:

Myriad Genetics, Inc.
Classification: Likely benign for Tuberous sclerosis 2. Last evaluated: 2025-05-29. Review status: criteria provided, single submitter. Criteria: Myriad Autosomal Dominant, Autosomal Recessive and X-Linked Classification Criteria (2023). Collection method: clinical testing. Allele origin: unknown.
Comment: This variant is considered likely benign. This variant is intronic and is not expected to impact mRNA splicing.